The following is an entry in ClinVar:

ClinVar aggregate classification (germline): Uncertain significance (1 of 4 stars; one submission).

Submission:

Labcorp Genetics (formerly Invitae), Labcorp
Classification: Uncertain significance. Last evaluated: 2024-10-22. Review status: criteria provided, single submitter. Criteria: Invitae Variant Classification Sherloc (09022015). Collection method: clinical testing. Allele origin: germline.
Comment: This sequence change replaces lysine, which is basic and polar, with threonine, which is neutral and polar, at codon 2003 of the ARID1A protein (p.Lys2003Thr). This variant is not present in population databases (gnomAD no frequency). This variant has not been reported in the literature in individuals affected with ARID1A-related conditions. Invitae Evidence Modeling of protein sequence and biophysical properties (such as structural, functional, and spatial information, amino acid conservation, physicochemical variation, residue mobility, and thermodynamic stability) indicates that this missense variant is not expected to disrupt ARID1A protein function with a negative predictive value of 80%. In summary, the available evidence is currently insufficient to determine the role of this variant in disease. Therefore, it has been classified as a Variant of Uncertain Significance.

NM_006015.6(ARID1A):c.6008A>C (p.Lys2003Thr)

Gene: ARID1A (AT-rich interaction domain 1A; plus strand). Cytogenetic location: 1p36.11.
Variant type: single nucleotide variant.
Coding change: c.6008A>C on transcript NM_006015.6 (MANE Select); coding-DNA position 6008, A replaced by C.
Protein change: p.Lys2003Thr; replaces lysine 2003 with threonine.
Molecular consequence: missense variant.
Genome position (GRCh38, 1-based): chr1:26,779,906, A>C. VCF-style: chr1-26779906-A-C. GRCh37 (hg19) VCF-style: chr1-27106397-A-C.
Other names: c.5357A>C, p.Lys1786Thr (NM_139135.4); short protein forms K1786T, K2003T.
Identifiers: ClinVar variation 2817312 (VCV002817312.3), dbSNP rs2124144954, ClinGen allele CA339189450.